The following is an entry in ClinVar:

NM_004260.4(RECQL4):c.1704+3G>A

Gene: RECQL4 (RecQ like helicase 4; minus strand). Cytogenetic location: 8q24.3.
Variant type: single nucleotide variant.
Coding change: c.1704+3G>A on transcript NM_004260.4 (MANE Select); 3 bases into the intron after coding-DNA position 1704, G replaced by A.
Molecular consequence: intron variant.
Genome position (GRCh38, 1-based): chr8:144,514,439, C>T on the plus strand (G>A on the coding strand, the complement: RECQL4 is on the minus strand). VCF-style: chr8-144514439-C-T. GRCh37 (hg19) VCF-style: chr8-145739823-C-T.
Identifiers: ClinVar variation 576222 (VCV000576222.5), dbSNP rs1210896009, ClinGen allele CA891842669.

ClinVar aggregate classification (germline): Uncertain significance (1 of 4 stars; one submission).

Conditions:
Baller-Gerold syndrome (BGS). Also called: CRANIOSYNOSTOSIS WITH RADIAL DEFECTS. Identifiers: Orphanet 1225, MedGen C0265308, MONDO:0009039, OMIM 218600.

Submission:

Labcorp Genetics (formerly Invitae), Labcorp
Classification: Uncertain significance for Baller-Gerold syndrome. Last evaluated: 2018-05-20. Review status: criteria provided, single submitter. Criteria: Invitae Variant Classification Sherloc (09022015). Collection method: clinical testing. Allele origin: germline.
Comment: This variant is not present in population databases (ExAC no frequency). In summary, the available evidence is currently insufficient to determine the role of this variant in disease. Therefore, it has been classified as a Variant of Uncertain Significance. Nucleotide substitutions within the consensus splice site are a relatively common cause of aberrant splicing (PMID: 17576681, 9536098). Algorithms developed to predict the effect of sequence changes on RNA splicing suggest that this variant is not likely to affect RNA splicing, but this prediction has not been confirmed by published transcriptional studies. This variant has not been reported in the literature in individuals with RECQL4-related disease. This sequence change falls in intron 10 of the RECQL4 gene. It does not directly change the encoded amino acid sequence of the RECQL4 protein, but it affects a nucleotide within the consensus splice site of the intron.

Literature cited by the submitters: PubMed 17576681; PubMed 9536098.